The following is an entry in ClinVar:

NM_000135.4(FANCA):c.37C>G (p.Gln13Glu)

Genes: FANCA (FA complementation group A; minus strand), LOC112486223 (Sharpr-MPRA regulatory region 3988; plus strand). Cytogenetic location: 16q24.3.
Variant type: single nucleotide variant.
Coding change: c.37C>G on transcript NM_000135.4 (MANE Select); coding-DNA position 37, C replaced by G.
Protein change: p.Gln13Glu; replaces glutamine 13 with glutamic acid.
Molecular consequence: missense variant.
Genome position (GRCh38, 1-based): chr16:89,816,579, G>C on the plus strand (C>G on the coding strand, the complement: FANCA is on the minus strand). VCF-style: chr16-89816579-G-C. GRCh37 (hg19) VCF-style: chr16-89882987-G-C.
Other names: c.37C>G, p.Gln13Glu (NM_001018112.3, NM_001286167.3, NM_001351830.2); short protein forms Q13E.
Identifiers: ClinVar variation 1184715 (VCV001184715.3), dbSNP rs766131144, ClinGen allele CA8253267.

ClinVar aggregate classification (germline): Uncertain significance. Review status: criteria provided, multiple submitters, no conflicts (2 of 4 stars). 2 submissions from 2 submitters: Uncertain significance (2). Last evaluated 2025-02-08.

Conditions:
Fanconi anemia (FA). Also called: Fanconi's anemia. Identifiers: Orphanet 84, MedGen C0015625, MeSH D005199, MONDO:0019391.
Inborn genetic diseases. Identifiers: MedGen C0950123, MeSH D030342.

Allele frequency attached by ClinVar (database versions not stated): gnomAD exomes below 0.00001.
gnomAD v4.1: 1 of 1,525,068 alleles (0.000066%); highest among the groups gnomAD compares: Middle Eastern, 0.021%; no homozygotes.

Submissions (2):

Ambry Genetics
Classification: Uncertain significance for Inborn genetic diseases. Last evaluated: 2025-02-08. Review status: criteria provided, single submitter. Criteria: Ambry Variant Classification Scheme 2023. Collection method: clinical testing. Allele origin: germline.
Comment: The p.Q13E variant (also known as c.37C>G), located in coding exon 1 of the FANCA gene, results from a C to G substitution at nucleotide position 37. The glutamine at codon 13 is replaced by glutamic acid, an amino acid with highly similar properties. This amino acid position is conserved. In addition, this alteration is predicted to be tolerated by in silico analysis. Based on the available evidence, the clinical significance of this variant remains unclear.

St. Jude Molecular Pathology, St. Jude Children's Research Hospital
Classification: Uncertain significance for Fanconi anemia. Last evaluated: 2021-06-24. Review status: criteria provided, single submitter. Criteria: St. Jude Assertion Criteria 2020. Collection method: clinical testing. Allele origin: germline.
Comment: The FANCA c.37C>G (p.Gln13Glu) missense change is absent in gnomAD v2.1.1 (PM2_Supporting). Six of seven in silico tools predict a benign effect of this variant on protein function (BP4), but to our knowledge these predictions have not been confirmed by functional studies. To our knowledge, this variant has not been reported in individuals with Fanconi anemia. In summary, this variant meets criteria to be classified as of uncertain significance based on the ACMG/AMP criteria: PM2_Supporting, BP4.